The following is an entry in ClinVar:

NM_004380.3(CREBBP):c.858G>A (p.Gln286=)

Gene: CREBBP (CREB binding lysine acetyltransferase; minus strand). Cytogenetic location: 16p13.3.
Variant type: single nucleotide variant.
Coding change: c.858G>A on transcript NM_004380.3 (MANE Select); coding-DNA position 858, G replaced by A.
Protein change: p.Gln286=; no amino-acid change (glutamine 286 retained).
Molecular consequence: synonymous variant.
Genome position (GRCh38, 1-based): chr16:3,810,720, C>T on the plus strand (G>A on the coding strand, the complement: CREBBP is on the minus strand). VCF-style: chr16-3810720-C-T. GRCh37 (hg19) VCF-style: chr16-3860721-C-T.
Other names: c.858G>A, p.Gln286= (NM_001079846.1); c.858G>A (NM_004380.2).
Identifiers: ClinVar variation 2980231 (VCV002980231.4), dbSNP rs2053922298, ClinGen allele CA493277649.

ClinVar aggregate classification (germline): Likely benign. Review status: criteria provided, single submitter (1 of 4 stars). 2 submissions from 2 submitters: Likely benign (1). 1 of the submissions does not count toward it. Last evaluated 2023-11-06.

Conditions:
Rubinstein-Taybi syndrome (RSTS). Identifiers: Orphanet 783, MedGen C0035934, MONDO:0019188.
CREBBP-related disorder. Also called: CREBBP-related condition; CREBBP-related disorders.

Allele frequency attached by ClinVar (database versions not stated): gnomAD exomes below 0.00001; TOPMed 0.00001.
gnomAD v4.1: 1 of 1,613,972 alleles (0.000062%); highest among the groups gnomAD compares: Non-Finnish European, 0.000085%; no homozygotes.

Submissions (2):

Labcorp Genetics (formerly Invitae), Labcorp
Classification: Likely benign for Rubinstein-Taybi syndrome. Last evaluated: 2023-11-06. Review status: criteria provided, single submitter. Criteria: Invitae Variant Classification Sherloc (09022015). Collection method: clinical testing. Allele origin: germline.

PreventionGenetics, part of Exact Sciences
Classification: Likely benign for CREBBP-related condition. Last evaluated: 2023-05-18. Review status: no assertion criteria provided. Collection method: clinical testing. Allele origin: germline. Not counted in ClinVar's aggregate classification.
Comment: This variant is classified as likely benign based on ACMG/AMP sequence variant interpretation guidelines (Richards et al. 2015 PMID: 25741868, with internal and published modifications).